The following is an entry in ClinVar:

NM_014283.5(SUCO):c.1627A>G (p.Thr543Ala)

Gene: SUCO (SUN domain containing ossification factor; plus strand). Cytogenetic location: 1q24.3.
Variant type: single nucleotide variant.
Coding change: c.1627A>G on transcript NM_014283.5 (MANE Select); coding-DNA position 1627, A replaced by G.
Protein change: p.Thr543Ala; replaces threonine 543 with alanine.
Molecular consequence: missense variant. On other transcripts: intron variant (1).
Genome position (GRCh38, 1-based): chr1:172,585,917, A>G. VCF-style: chr1-172585917-A-G. GRCh37 (hg19) VCF-style: chr1-172555057-A-G.
Other names: c.1516A>G, p.Thr506Ala (NM_001282750.2); c.2080A>G, p.Thr694Ala (NM_016227.4); c.-31-2843A>G (NM_001282751.2); short protein forms T543A, T506A, T694A.
Identifiers: ClinVar variation 1387078 (VCV001387078.6), dbSNP rs2149257905, ClinGen allele CA343740422.

ClinVar aggregate classification (germline): Uncertain significance (1 of 4 stars; one submission).

Submission:

Labcorp Genetics (formerly Invitae), Labcorp
Classification: Uncertain significance. Last evaluated: 2022-07-19. Review status: criteria provided, single submitter. Criteria: Invitae Variant Classification Sherloc (09022015). Collection method: clinical testing. Allele origin: germline.
Comment: In summary, the available evidence is currently insufficient to determine the role of this variant in disease. Therefore, it has been classified as a Variant of Uncertain Significance. Algorithms developed to predict the effect of sequence changes on RNA splicing suggest that this variant may create or strengthen a splice site. Algorithms developed to predict the effect of missense changes on protein structure and function output the following: SIFT: "Tolerated"; PolyPhen-2: "Benign"; Align-GVGD: "Class C0". The alanine amino acid residue is found in multiple mammalian species, which suggests that this missense change does not adversely affect protein function. ClinVar contains an entry for this variant (Variation ID: 1387078). This variant has not been reported in the literature in individuals affected with SUCO-related conditions. This variant is not present in population databases (gnomAD no frequency). This sequence change replaces threonine, which is neutral and polar, with alanine, which is neutral and non-polar, at codon 543 of the SUCO protein (p.Thr543Ala).